The following is an entry in ClinVar:

ClinVar aggregate classification (germline): Conflicting classifications of pathogenicity. Review status: criteria provided, conflicting classifications (1 of 4 stars). 2 submissions from 2 submitters: Pathogenic (1); Uncertain significance (1). Last evaluated 2026-05-20.

Conditions:
Inborn genetic diseases. Identifiers: MedGen C0950123, MeSH D030342.

Allele frequency attached by ClinVar (database versions not stated): gnomAD exomes 0.00001 and below 0.00001.
gnomAD v4.1: 7 of 1,613,988 alleles (0.00043%); highest among the groups gnomAD compares: Non-Finnish European, 0.00059%; no homozygotes.

Submissions (2):

Ambry Genetics
Classification: Pathogenic for Inborn genetic diseases. Last evaluated: 2026-05-20. Review status: criteria provided, single submitter. Criteria: Ambry Variant Classification Scheme 2023. Collection method: clinical testing. Allele origin: germline.
Comment: The c.2512C>T (p.R838*) alteration, located in exon 25 (coding exon 24) of the PTPN4 gene, consists of a C to T substitution at nucleotide position 2512. This changes the amino acid from a arginine (R) to a stop codon at amino acid position 838. This variant is expected to result in loss of function by premature protein truncation or nonsense-mediated mRNA decay. Based on data from gnomAD, the T allele has an overall frequency of <0.001% (1/251432) total alleles studied. The highest observed frequency was 0.001% (1/113738) of European (non-Finnish) alleles. This variant was reported in individual(s) with features consistent with PTPN4-related neurodevelopmental disorder (Chmielewska, 2021). Based on the available evidence, this alteration is classified as pathogenic.

GeneDx
Classification: Uncertain significance. Last evaluated: 2020-11-16. Review status: criteria provided, single submitter. Criteria: GeneDx Variant Classification (06012015). Collection method: clinical testing. Allele origin: germline. Affected: yes.
Comment: Observed in internal GeneDx whole exome sequencing data in association with autism spectrum disorder, behavioral and learning difficulties, dysmorphic features, small stature, and seizures. Nonsense variant predicted to result in protein truncation or nonsense mediated decay in a gene for which loss-of-function is not a known mechanism of disease. Observed in 1/246224 (0.0004%) alleles in large population cohorts (Lek et al., 2016). Variants in candidate genes are classified as variants of uncertain significance in accordance with ACMG guidelines (Richards et al., 2015). We interpret R838X as a variant of uncertain significance.

Literature cited by the submitters: PubMed 34527963 (cited by Ambry Genetics).

NM_002830.4(PTPN4):c.2512C>T (p.Arg838Ter)

Gene: PTPN4 (protein tyrosine phosphatase non-receptor type 4; plus strand). Cytogenetic location: 2q14.2.
Variant type: single nucleotide variant.
Coding change: c.2512C>T on transcript NM_002830.4 (MANE Select); coding-DNA position 2512, C replaced by T.
Protein change: p.Arg838Ter; replaces arginine 838 with a stop codon.
Molecular consequence: nonsense.
Genome position (GRCh38, 1-based): chr2:119,965,599, C>T. VCF-style: chr2-119965599-C-T. GRCh37 (hg19) VCF-style: chr2-120723175-C-T.
Other names: c.2512C>T (NM_002830.2); short protein forms R838*.
Identifiers: ClinVar variation 984797 (VCV000984797.2), dbSNP rs1259252500, ClinGen allele CA348150743.